The following is an entry in ClinVar:

ClinVar aggregate classification (germline): Uncertain significance (1 of 4 stars; one submission).

Submission:

GeneDx
Classification: Uncertain significance. Last evaluated: 2024-01-12. Review status: criteria provided, single submitter. Criteria: GeneDx Variant Classification Process June 2021. Collection method: clinical testing. Allele origin: germline. Affected: yes.
Comment: Not observed at significant frequency in large population cohorts (gnomAD); Frameshift variant predicted to result in protein truncation or nonsense mediated decay in a gene or region of a gene for which loss of function is not a well-established mechanism of disease; Has not been previously published as pathogenic or benign to our knowledge; Variants in candidate genes are classified as variants of uncertain significance in accordance with ACMG guidelines (PMID: 25741868)

NM_000718.4(CACNA1B):c.5961_5980dup (p.Glu1994fs)

Gene: CACNA1B (calcium voltage-gated channel subunit alpha1 B; plus strand). Cytogenetic location: 9q34.3.
Variant type: Duplication.
Coding change: c.5961_5980dup on transcript NM_000718.4 (MANE Select); coding-DNA positions 5961 to 5980, 20 bases duplicated (GGAGCCCCAGCCTGGGCTGG).
Protein change: p.Glu1994fs; shifts the reading frame from glutamic acid 1994.
Molecular consequence: frameshift variant.
Genome position (GRCh38, 1-based): chr9:138,118,699-138,118,718, GGAGCCCCAGCCTGGGCTGG duplicated; duplicating any 20 consecutive bases within chr9:138,118,696-138,118,718 gives the same sequence; the c. name uses the placement nearest the transcript's 3' end. VCF-style (leftmost placement, unchanged base first): chr9-138118695-A-ATGGGGAGCCCCAGCCTGGGC. GRCh37 (hg19) VCF-style: chr9-141013147-A-ATGGGGAGCCCCAGCCTGGGC.
Other names: c.5961_5980dup, p.Glu1994fs (NM_001243812.2); short protein forms E1994fs.
Identifiers: ClinVar variation 3367817 (VCV003367817.1).